The following is an entry in ClinVar:

NM_001363711.2(DUOX2):c.415G>A (p.Val139Met)

Gene: DUOX2 (dual oxidase 2; minus strand). Cytogenetic location: 15q21.1.
Variant type: single nucleotide variant.
Coding change: c.415G>A on transcript NM_001363711.2 (MANE Select); coding-DNA position 415, G replaced by A.
Protein change: p.Val139Met; replaces valine 139 with methionine.
Molecular consequence: missense variant.
Genome position (GRCh38, 1-based): chr15:45,111,866, C>T on the plus strand (G>A on the coding strand, the complement: DUOX2 is on the minus strand). VCF-style: chr15-45111866-C-T. GRCh37 (hg19) VCF-style: chr15-45404064-C-T.
Other names: c.415G>A, p.Val139Met (NM_014080.5); short protein forms V139M.
Identifiers: ClinVar variation 2902794 (VCV002902794.2), dbSNP rs1487536445, ClinGen allele CA392279363.
Genomic context (GRCh38, chr15:45,111,866, plus strand): 5'-GGTCCCAGCGGCTCCTCTGGAAGGGCAGCACCACGTCCCCGCGCTGGTCGGGGTCGAACA[C>T]GGGGTCTCCAGGTGGGATGCGGATGTTGAGGAACTCGGCGGGGCAACCGGGCGTTTCCAC-3'
Protein context (NP_001350640.1, residues 129-149): LNIRIPPGDP[Val139Met]FDPDQRGDVV

ClinVar aggregate classification (germline): Uncertain significance (1 of 4 stars; one submission).

Allele frequency attached by ClinVar (database versions not stated): TOPMed 0.00002.

Submission:

Labcorp Genetics (formerly Invitae), Labcorp
Classification: Uncertain significance. Last evaluated: 2025-12-15. Review status: criteria provided, single submitter. Criteria: Invitae Variant Classification Sherloc (09022015). Collection method: clinical testing. Allele origin: germline.
Comment: This sequence change replaces valine, which is neutral and non-polar, with methionine, which is neutral and non-polar, at codon 139 of the DUOX2 protein (p.Val139Met). This variant is present in population databases (no rsID available, gnomAD 0.007%). This variant has not been reported in the literature in individuals affected with DUOX2-related conditions. ClinVar contains an entry for this variant (Variation ID: 2902794). Invitae Evidence Modeling of protein sequence and biophysical properties (such as structural, functional, and spatial information, amino acid conservation, physicochemical variation, residue mobility, and thermodynamic stability) indicates that this missense variant is not expected to disrupt DUOX2 protein function with a negative predictive value of 80%. In summary, the available evidence is currently insufficient to determine the role of this variant in disease. Therefore, it has been classified as a Variant of Uncertain Significance.